The following is an entry in ClinVar:

ClinVar aggregate classification (germline): Conflicting classifications of pathogenicity. Review status: criteria provided, conflicting classifications (1 of 4 stars). 7 submissions from 7 submitters: Uncertain significance (5); Benign (1); Likely benign (1). Last evaluated 2024-11-24.

Conditions:
Inborn genetic diseases. Identifiers: MedGen C0950123, MeSH D030342.
Luscan-Lumish syndrome. Identifiers: Orphanet 597738, MedGen C4085873, MONDO:0014791, OMIM 616831.

Allele frequency attached by ClinVar (database versions not stated): gnomAD exomes 0.00002; ExAC 0.00003; gnomAD 0.00004 and 0.00005; TOPMed 0.00005.
gnomAD v4.1: 28 of 1,605,614 alleles (0.0017%); highest among the groups gnomAD compares: African/African-American, 0.0067%; no homozygotes.

Submissions (7):

Ambry Genetics
Classification: Likely benign for Inborn genetic diseases. Last evaluated: 2024-11-24. Review status: criteria provided, single submitter. Criteria: Ambry Variant Classification Scheme 2023. Collection method: clinical testing. Allele origin: germline.

Labcorp Genetics (formerly Invitae), Labcorp
Classification: Benign for Luscan-Lumish syndrome. Last evaluated: 2024-11-05. Review status: criteria provided, single submitter. Criteria: Invitae Variant Classification Sherloc (09022015). Collection method: clinical testing. Allele origin: germline.

Clinical Genetics Laboratory, Skane University Hospital Lund
Classification: Uncertain significance. Last evaluated: 2023-03-16. Review status: criteria provided, single submitter. Criteria: ACMG Guidelines, 2015. Collection method: clinical testing. Allele origin: germline. Affected: yes.

Genome-Nilou Lab
Classification: Uncertain significance for Luscan-Lumish syndrome. Last evaluated: 2022-03-15. Review status: criteria provided, single submitter. Criteria: ACMG Guidelines, 2015. Collection method: clinical testing. Allele origin: germline. Affected: no.

New York Genome Center
Classification: Uncertain significance for Luscan-Lumish syndrome. Last evaluated: 2022-01-21. Review status: criteria provided, single submitter. Criteria: NYGC Assertion Criteria 2020. Collection method: clinical testing. Allele origin: inherited. Observed: 1 heterozygote. Study: CSER-NYCKidSeq.

Centre for Mendelian Genomics, University Medical Centre Ljubljana
Classification: Uncertain significance for Luscan-Lumish syndrome. Last evaluated: 2019-04-25. Review status: criteria provided, single submitter. Criteria: ACMG Guidelines, 2015. Collection method: clinical testing. Allele origin: unknown. Affected: yes.
Comment: This variant was classified as: Uncertain significance. The available evidence on this variant's pathogenicity is insufficient or conflicting. The following ACMG criteria were applied in classifying this variant: PP3.

GeneDx
Classification: Uncertain significance. Last evaluated: 2016-11-29. Review status: criteria provided, single submitter. Criteria: GeneDx Variant Classification (06012015). Collection method: clinical testing. Allele origin: germline. Affected: yes.
Comment: The R1459Q variant in the SETD2 gene has not been reported previously as a pathogenic variant, nor as a benign variant, to our knowledge. The R1459Q variant was not observed in approximately 6500 individuals of European and African American ancestry in the NHLBI Exome Sequencing Project, indicating it is not a common benign variant in these populations. The R1459Q variant is a semi-conservative amino acid substitution, which may impact secondary protein structure as these residues differ in some properties. This substitution occurs at a position where amino acids with similar properties to Arginine are tolerated across species. In silico analysis is inconsistent in its predictions as to whether or not the variant is damaging to the protein structure/function. We interpret R1459Q as a variant of uncertain significance.

NM_014159.7(SETD2):c.4376G>A (p.Arg1459Gln)

Gene: SETD2 (SET domain containing 2, histone lysine methyltransferase; minus strand). Cytogenetic location: 3p21.31.
Variant type: single nucleotide variant.
Coding change: c.4376G>A on transcript NM_014159.7 (MANE Select); coding-DNA position 4376, G replaced by A.
Protein change: p.Arg1459Gln; replaces arginine 1459 with glutamine.
Molecular consequence: missense variant. On other transcripts: non-coding transcript variant (1).
Genome position (GRCh38, 1-based): chr3:47,120,260, C>T on the plus strand (G>A on the coding strand, the complement: SETD2 is on the minus strand). VCF-style: chr3-47120260-C-T. GRCh37 (hg19) VCF-style: chr3-47161750-C-T.
Other names: c.4244G>A, p.Arg1415Gln (NM_001349370.3); short protein forms R1459Q, R1415Q.
Identifiers: ClinVar variation 373451 (VCV000373451.16), dbSNP rs777992018, ClinGen allele CA2363224.
Genomic context (GRCh38, chr3:47,120,260, plus strand): 5'-TTTTCTTCAATAAGATCAAAGTAACATGGCATTTTCCCTTGCTTGGCACATTCCTTCCAT[C>T]GCTGTGGGTCCCTGAAGTCATCCATGACACAGGAGGGCCCAACCAGTGCTGAACCTGGGG-3'
Protein context (NP_054878.5, residues 1449-1469): CVMDDFRDPQ[Arg1459Gln]WKECAKQGKM